The following is an entry in ClinVar:

NM_006506.5(RASA2):c.2479T>C (p.Tyr827His)

Gene: RASA2 (RAS p21 protein activator 2; plus strand). Cytogenetic location: 3q23.
Variant type: single nucleotide variant.
Coding change: c.2479T>C on transcript NM_006506.5 (MANE Select); coding-DNA position 2479, T replaced by C.
Protein change: p.Tyr827His; replaces tyrosine 827 with histidine.
Molecular consequence: missense variant.
Genome position (GRCh38, 1-based): chr3:141,610,026, T>C. VCF-style: chr3-141610026-T-C. GRCh37 (hg19) VCF-style: chr3-141328868-T-C.
Other names: c.2491T>C (NM_001303246.1); c.2482T>C, p.Tyr828His (NM_001303245.3); c.2491T>C, p.Tyr831His (NM_001303246.3); short protein forms Y827H, Y828H, Y831H.
Identifiers: ClinVar variation 1791882 (VCV001791882.3), dbSNP rs1310266547, ClinGen allele CA354777961.

ClinVar aggregate classification (germline): Uncertain significance. Review status: criteria provided, multiple submitters, no conflicts (2 of 4 stars). 2 submissions from 2 submitters: Uncertain significance (2). Last evaluated 2025-09-05.

Conditions:
RASA2-related disorder. Also called: RASA2-related condition.

Allele frequency attached by ClinVar (database versions not stated): gnomAD exomes below 0.00001; TOPMed below 0.00001; gnomAD 0.00001.
gnomAD v4.1: 2 of 1,602,334 alleles (0.00012%); highest among the groups gnomAD compares: Non-Finnish European, 0.00017%; no homozygotes.

Submissions (2):

PreventionGenetics, part of Exact Sciences
Classification: Uncertain significance for RASA2-related condition. Last evaluated: 2025-09-05. Review status: criteria provided, single submitter. Criteria: ACMG Guidelines, 2015. Collection method: clinical testing. Allele origin: germline.
Comment: The RASA2 c.2491T>C variant is predicted to result in the amino acid substitution p.Tyr831His. To our knowledge, this variant has not been reported in the literature or in a large population database (gnomAD), indicating this variant is rare. At this time, the clinical significance of this variant is uncertain due to the absence of conclusive functional and genetic evidence.

Ambry Genetics
Classification: Uncertain significance. Last evaluated: 2021-10-11. Review status: criteria provided, single submitter. Criteria: Ambry Variant Classification Scheme 2023. Collection method: clinical testing. Allele origin: germline.
Comment: The p.Y827H variant (also known as c.2479T>C), located in coding exon 23 of the RASA2 gene, results from a T to C substitution at nucleotide position 2479. The tyrosine at codon 827 is replaced by histidine, an amino acid with similar properties. This amino acid position is conserved. In addition, this alteration is predicted to be tolerated by in silico analysis. Since supporting evidence is limited at this time, the clinical significance of this alteration remains unclear.